The following is an entry in ClinVar:

NM_000069.2(CACNA1S):c.-310G>C

Gene: CACNA1S (calcium voltage-gated channel subunit alpha1 S; minus strand). Cytogenetic location: 1q32.1.
Variant type: single nucleotide variant.
Coding change: c.-310G>C on transcript NM_000069.2; 310 bases upstream of the start codon, G replaced by C.
Genome position (GRCh38, 1-based): chr1:201,112,649, C>G on the plus strand (G>C on the coding strand, the complement: CACNA1S is on the minus strand). VCF-style: chr1-201112649-C-G. GRCh37 (hg19) VCF-style: chr1-201081777-C-G.
Identifiers: ClinVar variation 679842 (VCV000679842.4), dbSNP rs2281846, ClinGen allele CA16076496.

ClinVar aggregate classification (germline): Benign. Review status: criteria provided, multiple submitters, no conflicts (2 of 4 stars). 2 submissions from 2 submitters: Benign (2). Last evaluated 2018-06-14.

Allele frequency attached by ClinVar (database versions not stated): gnomAD 0.38787; TOPMed 0.40956; 1000 Genomes Project 0.49321; 1000 Genomes Project 30x 0.49844.

Submissions (2):

GeneDx
Classification: Benign. Last evaluated: 2018-06-14. Review status: criteria provided, single submitter. Criteria: GeneDx Variant Classification (06012015). Collection method: clinical testing. Allele origin: germline. Affected: yes.
Comment: This variant is considered likely benign or benign based on one or more of the following criteria: it is a conservative change, it occurs at a poorly conserved position in the protein, it is predicted to be benign by multiple in silico algorithms, and/or has population frequency not consistent with disease.

Breakthrough Genomics
Classification: Benign. Review status: criteria provided, single submitter. Criteria: ACMG Guidelines, 2015. Collection method: not provided. Allele origin: germline. Inheritance: Autosomal dominant inheritance. Affected: yes.